The following is an entry in ClinVar:

NM_001374259.2(IL12RB2):c.1259G>T (p.Gly420Val)

Gene: IL12RB2 (interleukin 12 receptor subunit beta 2; plus strand). Cytogenetic location: 1p31.3.
Variant type: single nucleotide variant.
Coding change: c.1259G>T on transcript NM_001374259.2 (MANE Select); coding-DNA position 1259, G replaced by T.
Protein change: p.Gly420Val; replaces glycine 420 with valine.
Molecular consequence: missense variant. On other transcripts: non-coding transcript variant (2).
Genome position (GRCh38, 1-based): chr1:67,367,825, G>T. VCF-style: chr1-67367825-G-T. GRCh37 (hg19) VCF-style: chr1-67833508-G-T.
Other names: c.1259G>T, p.Gly420Val (NM_001258214.1, NM_001258215.1, NM_001258216.1 and 2 more transcripts); short protein forms G420V.
Identifiers: ClinVar variation 1484539 (VCV001484539.8), dbSNP rs765425600, ClinGen allele CA900456.

ClinVar aggregate classification (germline): Uncertain significance (1 of 4 stars; one submission).

Allele frequency attached by ClinVar (database versions not stated): gnomAD 0.00001; TOPMed 0.00001.
gnomAD v4.1: 9 of 1,530,716 alleles (0.00059%); highest among the groups gnomAD compares: Non-Finnish European, 0.00072%; no homozygotes.

Submission:

Labcorp Genetics (formerly Invitae), Labcorp
Classification: Uncertain significance. Last evaluated: 2024-05-09. Review status: criteria provided, single submitter. Criteria: Invitae Variant Classification Sherloc (09022015). Collection method: clinical testing. Allele origin: germline.
Comment: This sequence change replaces glycine, which is neutral and non-polar, with valine, which is neutral and non-polar, at codon 420 of the IL12RB2 protein (p.Gly420Val). This variant is present in population databases (rs765425600, gnomAD 0.003%). This variant has not been reported in the literature in individuals affected with IL12RB2-related conditions. ClinVar contains an entry for this variant (Variation ID: 1484539). Algorithms developed to predict the effect of missense changes on protein structure and function output the following: SIFT: "Not Available"; PolyPhen-2: "Benign"; Align-GVGD: "Not Available". The valine amino acid residue is found in multiple mammalian species, which suggests that this missense change does not adversely affect protein function. In summary, the available evidence is currently insufficient to determine the role of this variant in disease. Therefore, it has been classified as a Variant of Uncertain Significance.